The following is an entry in ClinVar:

ClinVar aggregate classification (germline): Uncertain significance (1 of 4 stars; one submission).

gnomAD v4.1: 20 of 1,204,153 alleles (0.0017%); highest among the groups gnomAD compares: African/African-American, 0.007%; no homozygotes.

Submission:

Ambry Genetics
Classification: Uncertain significance. Last evaluated: 2025-10-29. Review status: criteria provided, single submitter. Criteria: Ambry Variant Classification Scheme 2023. Collection method: clinical testing. Allele origin: germline.
Comment: The c.1612G>A (p.V538I) alteration is located in exon 12 (coding exon 12) of the EGFL6 gene. This alteration results from a G to A substitution at nucleotide position 1612, causing the valine (V) at amino acid position 538 to be replaced by an isoleucine (I). Based on data from gnomAD, the A allele has an overall frequency of 0.002% (3/194905) total alleles studied. The highest observed frequency was 0.005% (1/18448) of African alleles. Based on insufficient or conflicting evidence, the clinical significance of this alteration remains unclear.

NM_015507.4(EGFL6):c.1609G>A (p.Val537Ile)

Gene: EGFL6 (EGF like domain multiple 6; plus strand). Cytogenetic location: Xp22.2.
Variant type: single nucleotide variant.
Coding change: c.1609G>A on transcript NM_015507.4 (MANE Select); coding-DNA position 1609, G replaced by A.
Protein change: p.Val537Ile; replaces valine 537 with isoleucine.
Molecular consequence: missense variant.
Genome position (GRCh38, 1-based): chrX:13,633,042, G>A. VCF-style: chrX-13633042-G-A. GRCh37 (hg19) VCF-style: chrX-13651161-G-A.
Other names: c.1612G>A, p.Val538Ile (NM_001167890.2); short protein forms V537I, V538I.
Identifiers: ClinVar variation 4663352 (VCV004663352.1).